The following is an entry in ClinVar:

NM_030928.4(CDT1):c.229-3C>T

Gene: CDT1 (chromatin licensing and DNA replication factor 1; plus strand). Cytogenetic location: 16q24.3.
Variant type: single nucleotide variant.
Coding change: c.229-3C>T on transcript NM_030928.4 (MANE Select); 3 bases into the intron before coding-DNA position 229, C replaced by T.
Molecular consequence: intron variant.
Genome position (GRCh38, 1-based): chr16:88,804,542, C>T. VCF-style: chr16-88804542-C-T. GRCh37 (hg19) VCF-style: chr16-88870950-C-T.
Identifiers: ClinVar variation 1367001 (VCV001367001.6), dbSNP rs1307426950, ClinGen allele CA725624082.

ClinVar aggregate classification (germline): Uncertain significance (1 of 4 stars; one submission).

Allele frequency attached by ClinVar (database versions not stated): TOPMed 0.00001.

Submission:

Labcorp Genetics (formerly Invitae), Labcorp
Classification: Uncertain significance. Last evaluated: 2022-06-03. Review status: criteria provided, single submitter. Criteria: Invitae Variant Classification Sherloc (09022015). Collection method: clinical testing. Allele origin: germline.
Comment: In summary, the available evidence is currently insufficient to determine the role of this variant in disease. Therefore, it has been classified as a Variant of Uncertain Significance. Variants that disrupt the consensus splice site are a relatively common cause of aberrant splicing (PMID: 17576681, 9536098). Algorithms developed to predict the effect of sequence changes on RNA splicing suggest that this variant is not likely to affect RNA splicing. ClinVar contains an entry for this variant (Variation ID: 1367001). This variant has not been reported in the literature in individuals affected with CDT1-related conditions. This variant is not present in population databases (gnomAD no frequency). This sequence change falls in intron 1 of the CDT1 gene. It does not directly change the encoded amino acid sequence of the CDT1 protein. It affects a nucleotide within the consensus splice site.

Literature cited by the submitters: PubMed 17576681; PubMed 9536098.